The following is an entry in ClinVar:

NM_001035.3(RYR2):c.1067A>G (p.Tyr356Cys)

Gene: RYR2 (ryanodine receptor 2; plus strand). Cytogenetic location: 1q43.
Variant type: single nucleotide variant.
Coding change: c.1067A>G on transcript NM_001035.3 (MANE Select); coding-DNA position 1067, A replaced by G.
Protein change: p.Tyr356Cys; replaces tyrosine 356 with cysteine.
Molecular consequence: missense variant.
Genome position (GRCh38, 1-based): chr1:237,441,380, A>G. VCF-style: chr1-237441380-A-G. GRCh37 (hg19) VCF-style: chr1-237604680-A-G.
Other names: short protein forms Y356C.
Identifiers: ClinVar variation 3072559 (VCV003072559.1), dbSNP rs2528321374, ClinGen allele CA345376126.

ClinVar aggregate classification (germline): Uncertain significance (1 of 4 stars; one submission).

Conditions:
Catecholaminergic polymorphic ventricular tachycardia (CVPT). Also called: Catecholamine-induced polymorphic ventricular tachycardia. Identifiers: Orphanet 3286, MedGen C5574922, MONDO:0017990.

Submission:

All of Us Research Program, National Institutes of Health
Classification: Uncertain significance for Catecholaminergic polymorphic ventricular tachycardia. Last evaluated: 2023-08-08. Review status: criteria provided, single submitter. Criteria: ACMG Guidelines, 2015. Collection method: clinical testing. Allele origin: germline. Inheritance: Autosomal dominant inheritance. Observed: 1 variant allele, 1 heterozygote.
Comment: This missense variant replaces tyrosine with cysteine at codon 356 of the RYR2 protein. Computational prediction suggests that this variant may have deleterious impact on protein structure and function (internally defined REVEL score threshold >= 0.7, PMID: 27666373). To our knowledge, functional studies have not been reported for this variant. This variant has not been reported in individuals affected with RYR2-related disorders in the literature. This variant has not been identified in the general population by the Genome Aggregation Database (gnomAD). The available evidence is insufficient to determine the role of this variant in disease conclusively. Therefore, this variant is classified as a Variant of Uncertain Significance.

This study involves interpretation of variants in research participants for the purpose of population health screening. Participant phenotype was not available at the time of variant classification. Additional details can be found in publication PMID: 35346344, PMCID: PMC8962531